The following is an entry in ClinVar:

NM_058216.3(RAD51C):c.44T>G (p.Val15Gly)

Gene: RAD51C (RAD51 paralog C; plus strand). Cytogenetic location: 17q22.
Variant type: single nucleotide variant.
Coding change: c.44T>G on transcript NM_058216.3 (MANE Select); coding-DNA position 44, T replaced by G.
Protein change: p.Val15Gly; replaces valine 15 with glycine.
Molecular consequence: missense variant. On other transcripts: non-coding transcript variant (1).
Genome position (GRCh38, 1-based): chr17:58,692,687, T>G. VCF-style: chr17-58692687-T-G. GRCh37 (hg19) VCF-style: chr17-56770048-T-G.
Other names: c.44T>G, p.Val15Gly (NM_002876.4); short protein forms V15G.
Identifiers: ClinVar variation 409851 (VCV000409851.15), dbSNP rs1060502593, ClinGen allele CA16615800.

ClinVar aggregate classification (germline): Conflicting classifications of pathogenicity. Review status: criteria provided, conflicting classifications (1 of 4 stars). 3 submissions from 3 submitters: Uncertain significance (2); Benign (1). Last evaluated 2026-01-06.

Conditions:
Hereditary cancer-predisposing syndrome. Also called: Hereditary neoplastic syndrome; Neoplastic Syndromes, Hereditary; Tumor predisposition; Hereditary Cancer Syndrome. Identifiers: Orphanet 140162, MedGen C0027672, MeSH D009386, MONDO:0015356.
Fanconi anemia complementation group O. Also called: RAD51C-Related Fanconi Anemia. Identifiers: Orphanet 84, MedGen C3150653, MONDO:0013248, OMIM 613390.

Submissions (3):

Labcorp Genetics (formerly Invitae), Labcorp
Classification: Uncertain significance for Fanconi anemia complementation group O. Last evaluated: 2026-01-06. Review status: criteria provided, single submitter. Criteria: Invitae Variant Classification Sherloc (09022015). Collection method: clinical testing. Allele origin: germline.
Comment: This sequence change replaces valine, which is neutral and non-polar, with glycine, which is neutral and non-polar, at codon 15 of the RAD51C protein (p.Val15Gly). This variant is not present in population databases (gnomAD no frequency). This variant has not been reported in the literature in individuals affected with RAD51C-related conditions. ClinVar contains an entry for this variant (Variation ID: 409851). An algorithm developed to predict the effect of missense changes on protein structure and function outputs the following: PolyPhen-2: "Benign". The glycine amino acid residue is found in multiple mammalian species, which suggests that this missense change does not adversely affect protein function. In summary, the available evidence is currently insufficient to determine the role of this variant in disease. Therefore, it has been classified as a Variant of Uncertain Significance.

Ambry Genetics
Classification: Benign for Hereditary cancer-predisposing syndrome. Last evaluated: 2025-10-28. Review status: criteria provided, single submitter. Criteria: Ambry Variant Classification Scheme 2023. Collection method: clinical testing. Allele origin: germline.

Color Diagnostics, LLC DBA Color Health
Classification: Uncertain significance for Hereditary cancer-predisposing syndrome. Last evaluated: 2025-03-03. Review status: criteria provided, single submitter. Criteria: ACMG Guidelines, 2015. Collection method: clinical testing. Allele origin: germline.
Comment: This missense variant replaces valine with glycine at codon 15 of the RAD51C protein. Computational prediction suggests that this variant may not impact protein structure and function (internally defined REVEL score threshold <= 0.5, PMID: 27666373). To our knowledge, functional studies have not been reported for this variant. This variant has not been reported in individuals affected with RAD51C-related disorders in the literature. This variant has not been identified in the general population by the Genome Aggregation Database (gnomAD). The available evidence is insufficient to determine the role of this variant in disease conclusively. Therefore, this variant is classified as a Variant of Uncertain Significance.